The following is an entry in ClinVar:

NM_001267550.2(TTN):c.3874G>A (p.Gly1292Arg)

Genes: TTN (titin; minus strand), LOC101927055 (uncharacterized LOC101927055; plus strand). Cytogenetic location: 2q31.2.
Variant type: single nucleotide variant.
Coding change: c.3874G>A on transcript NM_001267550.2 (MANE Select); coding-DNA position 3874, G replaced by A.
Protein change: p.Gly1292Arg; replaces glycine 1292 with arginine.
Molecular consequence: missense variant.
Genome position (GRCh38, 1-based): chr2:178,779,318, C>T on the plus strand (G>A on the coding strand, the complement: TTN is on the minus strand). VCF-style: chr2-178779318-C-T. GRCh37 (hg19) VCF-style: chr2-179644045-C-T.
Other names: c.3874G>A, p.Gly1292Arg (NM_001256850.1, NM_133378.4, NM_133379.5); c.3736G>A, p.Gly1246Arg (NM_003319.4, NM_133432.3, NM_133437.4); short protein forms G1246R, G1292R.
Identifiers: ClinVar variation 3571788 (VCV003571788.1).

ClinVar aggregate classification (germline): Uncertain significance (1 of 4 stars; one submission).

Submission:

Athena Diagnostics
Classification: Uncertain significance. Last evaluated: 2024-02-07. Review status: criteria provided, single submitter. Criteria: Athena Diagnostics Criteria. Collection method: clinical testing. Allele origin: unknown.
Comment: Available data are insufficient to determine the clinical significance of the variant at this time. This variant has not been reported in large, multi-ethnic general populations. Computational tools disagree on the variant's effect on normal protein function.